The following is an entry in ClinVar:

ClinVar aggregate classification (germline): Pathogenic/Likely pathogenic. Review status: criteria provided, multiple submitters, no conflicts (2 of 4 stars). 4 submissions from 4 submitters: Pathogenic (1); Likely pathogenic (2). 1 of the submissions does not count toward it. Last evaluated 2023-11-04.

Conditions:
USH2A-related disorder. Also called: USH2A-related condition; USH2A-related disorders. Identifiers: MedGen CN239332.
Retinitis pigmentosa 39 (RP39). Identifiers: Orphanet 791, MedGen C3151138, MONDO:0013436, OMIM 613809.
Usher syndrome type 2. Also called: Usher Syndrome Type II. Identifiers: Orphanet 231178, MedGen C0339534, MONDO:0016484.

Submissions (4):

Genome-Nilou Lab
Classification: Likely pathogenic for Retinitis pigmentosa 39. Last evaluated: 2023-11-04. Review status: criteria provided, single submitter. Criteria: ACMG Guidelines, 2015. Collection method: clinical testing. Allele origin: germline. Affected: no.

Labcorp Genetics (formerly Invitae), Labcorp
Classification: Pathogenic. Last evaluated: 2022-03-10. Review status: criteria provided, single submitter. Criteria: Invitae Variant Classification Sherloc (09022015). Collection method: clinical testing. Allele origin: germline.
Comment: This variant has not been reported in the literature in individuals affected with USH2A-related conditions. For these reasons, this variant has been classified as Pathogenic. ClinVar contains an entry for this variant (Variation ID: 866398). This variant is not present in population databases (gnomAD no frequency). This sequence change creates a premature translational stop signal (p.Pro2647Leufs*27) in the USH2A gene. It is expected to result in an absent or disrupted protein product. Loss-of-function variants in USH2A are known to be pathogenic (PMID: 10729113, 10909849, 20507924, 25649381).

Blueprint Genetics
Classification: Likely pathogenic for USH2A-related disorders. Last evaluated: 2019-07-16. Review status: criteria provided, single submitter. Criteria: ACMG Guidelines, 2015. Collection method: clinical testing. Allele origin: germline. Affected: yes. Observed: 1 variant allele.

Ophthalmo-Genetics Lab, Instituto de Oftalmologia Conde de Valenciana
Classification: Pathogenic for Usher syndrome type 2. Last evaluated: 2022-11-14. Review status: no assertion criteria provided. Collection method: clinical testing. Allele origin: germline. Inheritance: Autosomal recessive inheritance. Affected: yes. Observed: 1 compound heterozygote. Not counted in ClinVar's aggregate classification.
Comment: Novel pathogenic variant. PVS1, PM2, PP5.

Literature cited by the submitters: PubMed 10729113 (cited by Labcorp Genetics (formerly Invitae), Labcorp); PubMed 10909849 (cited by Labcorp Genetics (formerly Invitae), Labcorp); PubMed 20507924 (cited by Labcorp Genetics (formerly Invitae), Labcorp); PubMed 25649381 (cited by Labcorp Genetics (formerly Invitae), Labcorp); PubMed 35076463 (cited by Ophthalmo-Genetics Lab, Instituto de Oftalmologia Conde de Valenciana).

NM_206933.4(USH2A):c.7940del (p.Pro2647fs)

Gene: USH2A (usherin; minus strand). Cytogenetic location: 1q41.
Variant type: Deletion.
Coding change: c.7940del on transcript NM_206933.4 (MANE Select); coding-DNA position 7940, one base deleted (C; older notation c.7940delC).
Protein change: p.Pro2647fs; shifts the reading frame from proline 2647.
Molecular consequence: frameshift variant.
Genome position (GRCh38, 1-based): chr1:215,888,709, G deleted on the plus strand (C on the coding strand, the reverse complement: USH2A is on the minus strand); the first of 5 consecutive G bases (chr1:215,888,709-215,888,713); deleting any one gives the same sequence. VCF-style (leftmost placement, unchanged base first): chr1-215888708-AG-A. GRCh37 (hg19) VCF-style: chr1-216062050-AG-A.
Other names: short protein forms P2647fs.
Identifiers: ClinVar variation 866398 (VCV000866398.10), dbSNP rs1665132445, ClinGen allele CA916082131.